The following is an entry in ClinVar:

NM_005633.4(SOS1):c.2152A>G (p.Ile718Val)

Gene: SOS1 (SOS Ras/Rac guanine nucleotide exchange factor 1; minus strand). Cytogenetic location: 2p22.1.
Variant type: single nucleotide variant.
Coding change: c.2152A>G on transcript NM_005633.4 (MANE Select); coding-DNA position 2152, A replaced by G.
Protein change: p.Ile718Val; replaces isoleucine 718 with valine.
Molecular consequence: missense variant.
Genome position (GRCh38, 1-based): chr2:39,013,475, T>C on the plus strand (A>G on the coding strand, the complement: SOS1 is on the minus strand). VCF-style: chr2-39013475-T-C. GRCh37 (hg19) VCF-style: chr2-39240616-T-C.
Other names: c.2131A>G, p.Ile711Val (NM_001382394.1); c.2152A>G, p.Ile718Val (NM_001382395.1); short protein forms I711V, I718V.
Identifiers: ClinVar variation 4780245 (VCV004780245.1).
Genomic context (GRCh38, chr2:39,013,475, plus strand): 5'-ACTTTTATTACATATAAAACTAGGCACCTAAAAAAAAAAACATACCTCTTACTGTTCCAA[T>C]AAATTCTTCCATTCGTTGCAAAAGATATGCATCTCTTTCAAAATCATAGAAGTGGTGCTC-3'
Protein context (NP_005624.2, residues 708-728): AYLLQRMEEF[Ile718Val]GTVRGKAMKK

ClinVar aggregate classification (germline): Uncertain significance (1 of 4 stars; one submission).

Conditions:
RASopathy. Also called: Noonan spectrum disorder; rasopathies. Identifiers: Orphanet 536391, MedGen C5555857, MONDO:0021060.

Submission:

Labcorp Genetics (formerly Invitae), Labcorp
Classification: Uncertain significance for RASopathy. Last evaluated: 2025-10-01. Review status: criteria provided, single submitter. Criteria: Invitae Variant Classification Sherloc (09022015). Collection method: clinical testing. Allele origin: germline.
Comment: This sequence change replaces isoleucine, which is neutral and non-polar, with valine, which is neutral and non-polar, at codon 718 of the SOS1 protein (p.Ile718Val). This variant is not present in population databases (gnomAD no frequency). This variant has not been reported in the literature in individuals affected with SOS1-related conditions. Invitae Evidence Modeling of protein sequence and biophysical properties (such as structural, functional, and spatial information, amino acid conservation, physicochemical variation, residue mobility, and thermodynamic stability) indicates that this missense variant is not expected to disrupt SOS1 protein function with a negative predictive value of 95%. In summary, the available evidence is currently insufficient to determine the role of this variant in disease. Therefore, it has been classified as a Variant of Uncertain Significance.